The following is an entry in ClinVar:

ClinVar aggregate classification (germline): Uncertain significance (1 of 4 stars; one submission).

Submission:

GeneDx
Classification: Uncertain significance. Last evaluated: 2022-09-28. Review status: criteria provided, single submitter. Criteria: GeneDx Variant Classification Process June 2021. Collection method: clinical testing. Allele origin: germline. Affected: yes.
Comment: Not observed at significant frequency in large population cohorts (gnomAD); In silico analysis supports that this missense variant has a deleterious effect on protein structure/function; Has not been previously published as pathogenic or benign to our knowledge

NM_017672.6(TRPM7):c.415G>C (p.Val139Leu)

Gene: TRPM7 (transient receptor potential cation channel subfamily M member 7; minus strand). Cytogenetic location: 15q21.2.
Variant type: single nucleotide variant.
Coding change: c.415G>C on transcript NM_017672.6 (MANE Select); coding-DNA position 415, G replaced by C.
Protein change: p.Val139Leu; replaces valine 139 with leucine.
Molecular consequence: missense variant. On other transcripts: non-coding transcript variant (3).
Genome position (GRCh38, 1-based): chr15:50,643,460, C>G on the plus strand (G>C on the coding strand, the complement: TRPM7 is on the minus strand). VCF-style: chr15-50643460-C-G. GRCh37 (hg19) VCF-style: chr15-50935657-C-G.
Other names: c.415G>C, p.Val139Leu (NM_001301212.2); short protein forms V139L.
Identifiers: ClinVar variation 2446633 (VCV002446633.1), dbSNP rs2542507248, ClinGen allele CA392400792.
Genomic context (GRCh38, chr15:50,643,460, plus strand): 5'-CTTTTCCAAGCAACTGCTTGATTCGTGGGTGAAGCTCAAATTTCTGCATGCCCCCATGTA[C>G]AGAGATAACAAGTTTGGGTAACTCCATTTGCCATTCTTTAAGCAGAAGTTGCAGAATGAC-3'
Protein context (NP_060142.3, residues 129-149): QMELPKLVIS[Val139Leu]HGGMQKFELH